The following is an entry in ClinVar:

NM_033028.5(BBS4):c.252A>T (p.Gln84His)

Gene: BBS4 (Bardet-Biedl syndrome 4; plus strand). Cytogenetic location: 15q24.1.
Variant type: single nucleotide variant.
Coding change: c.252A>T on transcript NM_033028.5 (MANE Select); coding-DNA position 252, A replaced by T.
Protein change: p.Gln84His; replaces glutamine 84 with histidine.
Molecular consequence: missense variant. On other transcripts: 5 prime UTR variant (1), non-coding transcript variant (2).
Genome position (GRCh38, 1-based): chr15:72,715,322, A>T. VCF-style: chr15-72715322-A-T. GRCh37 (hg19) VCF-style: chr15-73007663-A-T.
Other names: c.-270A>T (NM_001252678.2); c.252A>T, p.Gln84His (NM_001320665.2); short protein forms Q84H.
Identifiers: ClinVar variation 1440139 (VCV001440139.5), dbSNP rs2065448650, ClinGen allele CA393076708.
Genomic context (GRCh38, chr15:72,715,322, plus strand): 5'-TTTTTTTTGTATTTTCTGTTTCTTGGCAGCATTGATATTTCGCCTAGAAGGAAATATCCA[A>T]GAATCCCTAGAACTCTTCCAGACATGTGCAGTTCTTAGTCCTCAGAGTGCTGATAACCTC-3'
Protein context (NP_149017.2, residues 74-94): ALIFRLEGNI[Gln84His]ESLELFQTCA

ClinVar aggregate classification (germline): Uncertain significance (1 of 4 stars; one submission).

Conditions:
Bardet-Biedl syndrome (BBS). Identifiers: Orphanet 110, MedGen C0752166, MONDO:0015229.

Allele frequency attached by ClinVar (database versions not stated): TOPMed below 0.00001.
gnomAD v4.1: 2 of 1,613,882 alleles (0.00012%); highest among the groups gnomAD compares: Non-Finnish European, 0.000085%; no homozygotes.

Submission:

Labcorp Genetics (formerly Invitae), Labcorp
Classification: Uncertain significance for Bardet-Biedl syndrome. Last evaluated: 2021-09-01. Review status: criteria provided, single submitter. Criteria: Invitae Variant Classification Sherloc (09022015). Collection method: clinical testing. Allele origin: germline.
Comment: This sequence change replaces glutamine with histidine at codon 84 of the BBS4 protein (p.Gln84His). The glutamine residue is highly conserved and there is a small physicochemical difference between glutamine and histidine. This variant is not present in population databases (ExAC no frequency). This variant has not been reported in the literature in individuals affected with BBS4-related conditions. Algorithms developed to predict the effect of missense changes on protein structure and function (SIFT, PolyPhen-2, Align-GVGD) all suggest that this variant is likely to be tolerated. In summary, the available evidence is currently insufficient to determine the role of this variant in disease. Therefore, it has been classified as a Variant of Uncertain Significance.